The following is an entry in ClinVar:

ClinVar aggregate classification (germline): Uncertain significance. Review status: criteria provided, multiple submitters, no conflicts (2 of 4 stars). 2 submissions from 2 submitters: Uncertain significance (2). Last evaluated 2025-02-10.

Conditions:
Inborn genetic diseases. Identifiers: MedGen C0950123, MeSH D030342.

Allele frequency attached by ClinVar (database versions not stated): gnomAD 0.00001; gnomAD exomes 0.00001.
gnomAD v4.1: 19 of 1,614,108 alleles (0.0012%); highest among the groups gnomAD compares: Middle Eastern, 0.016%; no homozygotes.

Submissions (2):

Ambry Genetics
Classification: Uncertain significance for Inborn genetic diseases. Last evaluated: 2025-02-10. Review status: criteria provided, single submitter. Criteria: Ambry Variant Classification Scheme 2023. Collection method: clinical testing. Allele origin: germline.

Labcorp Genetics (formerly Invitae), Labcorp
Classification: Uncertain significance. Last evaluated: 2022-05-14. Review status: criteria provided, single submitter. Criteria: Invitae Variant Classification Sherloc (09022015). Collection method: clinical testing. Allele origin: germline.
Comment: In summary, the available evidence is currently insufficient to determine the role of this variant in disease. Therefore, it has been classified as a Variant of Uncertain Significance. Algorithms developed to predict the effect of missense changes on protein structure and function (SIFT, PolyPhen-2, Align-GVGD) all suggest that this variant is likely to be disruptive. This variant has not been reported in the literature in individuals affected with LHX4-related conditions. This variant is present in population databases (rs750416597, gnomAD no frequency). This sequence change replaces arginine, which is basic and polar, with histidine, which is basic and polar, at codon 103 of the LHX4 protein (p.Arg103His).

NM_033343.4(LHX4):c.308G>A (p.Arg103His)

Gene: LHX4 (LIM homeobox 4; plus strand). Cytogenetic location: 1q25.2.
Variant type: single nucleotide variant.
Coding change: c.308G>A on transcript NM_033343.4 (MANE Select); coding-DNA position 308, G replaced by A.
Protein change: p.Arg103His; replaces arginine 103 with histidine.
Molecular consequence: missense variant.
Genome position (GRCh38, 1-based): chr1:180,266,451, G>A. VCF-style: chr1-180266451-G-A. GRCh37 (hg19) VCF-style: chr1-180235586-G-A.
Other names: short protein forms R103H.
Identifiers: ClinVar variation 1985112 (VCV001985112.5), dbSNP rs750416597, ClinGen allele CA33776172.